The following is an entry in ClinVar:

ClinVar aggregate classification (germline): Uncertain significance. Review status: criteria provided, single submitter (1 of 4 stars). 2 submissions from 2 submitters: Uncertain significance (1). 1 of the submissions does not count toward it. Last evaluated 2025-04-18.

Conditions:
Retinal dystrophy. Also called: Inherited retinal dystrophy. Identifiers: Orphanet 71862, MedGen C0854723, MeSH D058499, MONDO:0019118, HP:0000556.

gnomAD v4.1: 5 of 1,614,128 alleles (0.00031%); highest among the groups gnomAD compares: Non-Finnish European, 0.00042%; no homozygotes.

Submissions (2):

Labcorp Genetics (formerly Invitae), Labcorp
Classification: Uncertain significance. Last evaluated: 2025-04-18. Review status: criteria provided, single submitter. Criteria: Invitae Variant Classification Sherloc (09022015). Collection method: clinical testing. Allele origin: germline.
Comment: This sequence change replaces aspartic acid, which is acidic and polar, with valine, which is neutral and non-polar, at codon 660 of the CDHR1 protein (p.Asp660Val). This variant is present in population databases (rs778814131, gnomAD 0.0009%). This variant has not been reported in the literature in individuals affected with CDHR1-related conditions. ClinVar contains an entry for this variant (Variation ID: 3248888). Invitae Evidence Modeling of protein sequence and biophysical properties (such as structural, functional, and spatial information, amino acid conservation, physicochemical variation, residue mobility, and thermodynamic stability) indicates that this missense variant is expected to disrupt CDHR1 protein function with a positive predictive value of 80%. In summary, the available evidence is currently insufficient to determine the role of this variant in disease. Therefore, it has been classified as a Variant of Uncertain Significance.

Institute of Human Genetics, Univ. Regensburg, Univ. Regensburg
Classification: Uncertain significance for Retinal dystrophy. Last evaluated: 2023-01-01. Review status: no assertion criteria provided. Criteria: ACMG Guidelines, 2015. Collection method: clinical testing. Allele origin: germline. Affected: yes. Not counted in ClinVar's aggregate classification.

NM_033100.4(CDHR1):c.1979A>T (p.Asp660Val)

Gene: CDHR1 (cadherin related family member 1; plus strand). Cytogenetic location: 10q23.1.
Variant type: single nucleotide variant.
Coding change: c.1979A>T on transcript NM_033100.4 (MANE Select); coding-DNA position 1979, A replaced by T.
Protein change: p.Asp660Val; replaces aspartic acid 660 with valine.
Molecular consequence: missense variant.
Genome position (GRCh38, 1-based): chr10:84,213,287, A>T. VCF-style: chr10-84213287-A-T. GRCh37 (hg19) VCF-style: chr10-85973043-A-T.
Other names: c.1979A>T, p.Asp660Val (NM_001171971.3); short protein forms D660V.
Identifiers: ClinVar variation 3248888 (VCV003248888.3).